The following is an entry in ClinVar:

NM_001100.4(ACTA1):c.355G>A (p.Glu119Lys)

Gene: ACTA1 (actin alpha 1, skeletal muscle; minus strand). Cytogenetic location: 1q42.13.
Variant type: single nucleotide variant.
Coding change: c.355G>A on transcript NM_001100.4 (MANE Select); coding-DNA position 355, G replaced by A.
Protein change: p.Glu119Lys; replaces glutamic acid 119 with lysine.
Molecular consequence: missense variant.
Genome position (GRCh38, 1-based): chr1:229,432,655, C>T on the plus strand (G>A on the coding strand, the complement: ACTA1 is on the minus strand). VCF-style: chr1-229432655-C-T. GRCh37 (hg19) VCF-style: chr1-229568402-C-T.
Other names: short protein forms E119K.
Identifiers: ClinVar variation 3382549 (VCV003382549.2).

ClinVar aggregate classification (germline): Likely pathogenic (1 of 4 stars; one submission).

Conditions:
Congenital myopathy 4A, autosomal dominant (CMYO4A). Identifiers: MedGen CN178536, MONDO:0800341, OMIM 255310.
Actin accumulation myopathy (CMYO2A). Also called: CONGENITAL MYOPATHY 2A, TYPICAL, AUTOSOMAL DOMINANT; Myopathy, actin, congenital, with cores; Nemaline myopathy 3, with intranuclear rods; Myopathy, actin, congenital, with excess of thin myofilaments; Nemaline myopathy type 3. Identifiers: Orphanet 98904, MedGen C3711389, MONDO:0008070, OMIM 161800.
Progressive scapulohumeroperoneal distal myopathy. Also called: Myopathy, scapulohumeroperoneal. Identifiers: Orphanet 447977, MedGen C4225181, MONDO:0014800, OMIM 616852.

Submission:

Juno Genomics, Hangzhou Juno Genomics, Inc
Classification: Likely pathogenic for Progressive scapulohumeroperoneal distal myopathy; Actin accumulation myopathy; Congenital myopathy 4A, autosomal dominant. Review status: criteria provided, single submitter. Criteria: ACMG Guidelines, 2015. Collection method: clinical testing. Allele origin: germline. Affected: yes.
Comment: Multiple lines of computational evidence support a deleterious effect on the gene or gene product (conservation, evolutionary, splicing impact, etc).;Missense variant in a gene that has a low rate of benign missense variation and where missense variants are a common mechanism of disease.;De novo (both maternity and paternity confirmed) in a patient with the disease and no family history.;Absent from controls (or at extremely low frequency if recessive) in Genome Aggregation Database, Exome Sequencing Project, 1000 Genomes Project, or Exome Aggregation Consortium.;Novel missense change at an amino acid residue where a different missense change determined to be pathogenic has been seen before.